The following is an entry in ClinVar:

NM_130837.3(OPA1):c.2872+178C>T

Gene: OPA1 (OPA1 mitochondrial dynamin like GTPase; plus strand). Cytogenetic location: 3q29.
Variant type: single nucleotide variant.
Coding change: c.2872+178C>T on transcript NM_130837.3 (MANE Select); 178 bases into the intron after coding-DNA position 2872, C replaced by T.
Molecular consequence: intron variant.
Genome position (GRCh38, 1-based): chr3:193,666,567, C>T. VCF-style: chr3-193666567-C-T. GRCh37 (hg19) VCF-style: chr3-193384356-C-T.
Other names: c.2335+178C>T (NM_001354664.2); c.2338+178C>T (NM_001354663.2); c.2761+178C>T (NM_130834.3); c.2818+178C>T (NM_130836.3); c.2707+178C>T (NM_015560.3); c.2764+178C>T (NM_130835.3); c.2653+178C>T (NM_130832.3); c.2710+178C>T (NM_130833.3); and 1 more.
Identifiers: ClinVar variation 679014 (VCV000679014.1), dbSNP rs11928971, ClinGen allele CA90557653.

ClinVar aggregate classification (germline): Benign (1 of 4 stars; one submission).

Allele frequency attached by ClinVar (database versions not stated): gnomAD 0.06033 and 0.06320; 1000 Genomes Project 0.06190; TOPMed 0.06199.
gnomAD v4.1: 9,145 of 152,154 alleles (6%); highest among the groups gnomAD compares: African/African-American, 14%; 480 homozygotes.

Submission:

GeneDx
Classification: Benign. Last evaluated: 2018-06-16. Review status: criteria provided, single submitter. Criteria: GeneDx Variant Classification (06012015). Collection method: clinical testing. Allele origin: germline. Affected: yes.
Comment: This variant is considered likely benign or benign based on one or more of the following criteria: it is a conservative change, it occurs at a poorly conserved position in the protein, it is predicted to be benign by multiple in silico algorithms, and/or has population frequency not consistent with disease.